The following is an entry in ClinVar:

ClinVar aggregate classification (germline): Uncertain significance. Review status: criteria provided, multiple submitters, no conflicts (2 of 4 stars). 2 submissions from 2 submitters: Uncertain significance (2). Last evaluated 2026-05-01.

Conditions:
Autosomal recessive ataxia, Beauce type. Also called: SYNE1-Related Autosomal Recessive Cerebellar Ataxia; ATAXIA, RECESSIVE, OF BEAUCE; Spinocerebellar ataxia, autosomal recessive 8; SYNE1 Deficiency. Identifiers: Orphanet 88644, MedGen C1853116, MONDO:0012549, OMIM 610743.
Emery-Dreifuss muscular dystrophy 4, autosomal dominant (EDMD4). Also called: EMERY-DREIFUSS MUSCULAR DYSTROPHY 4 WITH VARIABLE FEATURES. Identifiers: Orphanet 261, MedGen C2751807, MONDO:0013071, OMIM 612998.

Allele frequency attached by ClinVar (database versions not stated): ExAC 0.00001; 1000 Genomes Project 30x 0.00016; 1000 Genomes Project 0.00020.
gnomAD v4.1: 23 of 1,614,012 alleles (0.0014%); highest among the groups gnomAD compares: African/African-American, 0.0093%; no homozygotes.

Submissions (2):

CeGaT Center for Human Genetics Tuebingen
Classification: Uncertain significance. Last evaluated: 2026-05-01. Review status: criteria provided, single submitter. Criteria: CeGaT Center For Human Genetics Tuebingen Variant Classification Criteria Version 2. Collection method: clinical testing. Allele origin: germline. Affected: yes. Observed: 1 variant allele.
Comment: SYNE1: PM2, BP4

Labcorp Genetics (formerly Invitae), Labcorp
Classification: Uncertain significance for Emery-Dreifuss muscular dystrophy 4, autosomal dominant; Autosomal recessive ataxia, Beauce type. Last evaluated: 2021-08-13. Review status: criteria provided, single submitter. Criteria: Invitae Variant Classification Sherloc (09022015). Collection method: clinical testing. Allele origin: germline.
Comment: This sequence change replaces arginine with tryptophan at codon 5650 of the SYNE1 protein (p.Arg5650Trp). The arginine residue is highly conserved and there is a moderate physicochemical difference between arginine and tryptophan. This variant is present in population databases (rs138941941, ExAC 0.01%). This variant has not been reported in the literature in individuals affected with SYNE1-related conditions. Algorithms developed to predict the effect of missense changes on protein structure and function (SIFT, PolyPhen-2, Align-GVGD) all suggest that this variant is likely to be disruptive. In summary, the available evidence is currently insufficient to determine the role of this variant in disease. Therefore, it has been classified as a Variant of Uncertain Significance.

NM_182961.4(SYNE1):c.17161C>T (p.Arg5721Trp)

Genes: SYNE1 (spectrin repeat containing nuclear envelope protein 1; minus strand), LOC126859837 (BRD4-independent group 4 enhancer GRCh37_chr6:152630775-152631974; plus strand). Cytogenetic location: 6q25.2.
Variant type: single nucleotide variant.
Coding change: c.17161C>T on transcript NM_182961.4 (MANE Select); coding-DNA position 17161, C replaced by T.
Protein change: p.Arg5721Trp; replaces arginine 5721 with tryptophan.
Molecular consequence: missense variant.
Genome position (GRCh38, 1-based): chr6:152,309,876, G>A on the plus strand (C>T on the coding strand, the complement: SYNE1 is on the minus strand). VCF-style: chr6-152309876-G-A. GRCh37 (hg19) VCF-style: chr6-152631011-G-A.
Other names: c.16948C>T, p.Arg5650Trp (NM_033071.5); short protein forms R5650W, R5721W.
Identifiers: ClinVar variation 1063481 (VCV001063481.8), dbSNP rs138941941, ClinGen allele CA4055330.